The following is an entry in ClinVar:

NM_001083962.2(TCF4):c.656-116C>G

Gene: TCF4 (transcription factor 4; minus strand). Cytogenetic location: 18q21.2.
Variant type: single nucleotide variant.
Coding change: c.656-116C>G on transcript NM_001083962.2 (MANE Select); 116 bases into the intron before coding-DNA position 656, C replaced by G.
Molecular consequence: intron variant.
Genome position (GRCh38, 1-based): chr18:55,275,868, G>C on the plus strand (C>G on the coding strand, the complement: TCF4 is on the minus strand). VCF-style: chr18-55275868-G-C. GRCh37 (hg19) VCF-style: chr18-52943099-G-C.
Other names: c.962-116C>G (NM_001243226.3); c.581-116C>G (NM_001369584.1, NM_001369576.1, NM_001369585.1 and 3 more transcripts); c.584-116C>G (NM_001369577.1, NM_001369582.1, NM_001243227.2 and 9 more transcripts); c.656-116C>G (NM_001369571.1, NM_001369567.1, NM_001369572.1 and 4 more transcripts); c.674-116C>G (NM_001243228.2); c.650-116C>G (NM_001243230.2); c.653-116C>G (NM_001369569.1, NM_001369573.1, NM_001369570.1); c.530-116C>G (NM_001243231.2, NM_001348211.2); and 4 more.
Identifiers: ClinVar variation 676018 (VCV000676018.2), dbSNP rs1787793, ClinGen allele CA301117523.

ClinVar aggregate classification (germline): Benign. Review status: criteria provided, multiple submitters, no conflicts (2 of 4 stars). 2 submissions from 2 submitters: Benign (2). Last evaluated 2018-06-14.

Allele frequency attached by ClinVar (database versions not stated): gnomAD 0.03534 and 0.03771; TOPMed 0.03968; 1000 Genomes Project 0.04093; 1000 Genomes Project 30x 0.04310.
gnomAD v4.1: 9,661 of 1,322,948 alleles (0.73%); highest among the groups gnomAD compares: African/African-American, 12%; 507 homozygotes.

Submissions (2):

GeneDx
Classification: Benign. Last evaluated: 2018-06-14. Review status: criteria provided, single submitter. Criteria: GeneDx Variant Classification (06012015). Collection method: clinical testing. Allele origin: germline. Affected: yes.
Comment: This variant is considered likely benign or benign based on one or more of the following criteria: it is a conservative change, it occurs at a poorly conserved position in the protein, it is predicted to be benign by multiple in silico algorithms, and/or has population frequency not consistent with disease.

Breakthrough Genomics
Classification: Benign. Review status: criteria provided, single submitter. Criteria: ACMG Guidelines, 2015. Collection method: not provided. Allele origin: germline. Inheritance: Autosomal dominant inheritance. Affected: yes.